The following is an entry in ClinVar:

ClinVar aggregate classification (germline): Uncertain significance (1 of 4 stars; one submission).

Conditions:
Hypokalemic periodic paralysis, type 1. Also called: Hypokalemic Periodic Paralysis Type 1 (AD); HypoPP. Identifiers: Orphanet 681, MedGen C3714580, MONDO:0042979, OMIM 170400.
Malignant hyperthermia, susceptibility to, 5 (MHS5). Also called: CACNA1S-Related Malignant Hyperthermia Susceptibility. Identifiers: Orphanet 423, MedGen C1866077, MONDO:0011163, OMIM 601887.

gnomAD v4.1: 1 of 1,613,640 alleles (0.000062%); no homozygotes.

Submission:

Labcorp Genetics (formerly Invitae), Labcorp
Classification: Uncertain significance for Hypokalemic periodic paralysis, type 1; Malignant hyperthermia, susceptibility to, 5. Last evaluated: 2018-12-06. Review status: criteria provided, single submitter. Criteria: Invitae Variant Classification Sherloc (09022015). Collection method: clinical testing. Allele origin: germline.
Comment: This variant has not been reported in the literature in individuals with CACNA1S-related disease. In summary, the available evidence is currently insufficient to determine the role of this variant in disease. Therefore, it has been classified as a Variant of Uncertain Significance. Algorithms developed to predict the effect of sequence changes on RNA splicing suggest that this variant may disrupt the consensus splice site, but this prediction has not been confirmed by published transcriptional studies. This variant is not present in population databases (ExAC no frequency). This sequence change affects codon 383 of the CACNA1S mRNA. It is a 'silent' change, meaning that it does not change the encoded amino acid sequence of the CACNA1S protein.

NM_000069.3(CACNA1S):c.1149A>G (p.Glu383=)

Gene: CACNA1S (calcium voltage-gated channel subunit alpha1 S; minus strand). Cytogenetic location: 1q32.1.
Variant type: single nucleotide variant.
Coding change: c.1149A>G on transcript NM_000069.3 (MANE Select); coding-DNA position 1149, A replaced by G.
Protein change: p.Glu383=; no amino-acid change (glutamic acid 383 retained).
Molecular consequence: synonymous variant.
Genome position (GRCh38, 1-based): chr1:201,085,437, T>C on the plus strand (A>G on the coding strand, the complement: CACNA1S is on the minus strand). VCF-style: chr1-201085437-T-C. GRCh37 (hg19) VCF-style: chr1-201054565-T-C.
Identifiers: ClinVar variation 650625 (VCV000650625.9), dbSNP rs544185379, ClinGen allele CA422692612.
Genomic context (GRCh38, chr1:201,085,437, plus strand): 5'-ACTCAGAGGTGGGAGTGAGAGAGTGGGGTGAGTGCTGACCACAGCCTTTGGGCCCAAACC[T>C]TCTCTGAAGTCCTCAACATCCATGACCTCGCCCTGCGTGATCCAGCTCATGTAGCCCCGA-3'
Protein context (NP_000060.2, residues 373-393): GEVMDVEDFR[Glu383=]GKLSLDEGGS